The following is an entry in ClinVar:

NM_000384.3(APOB):c.5728C>G (p.His1910Asp)

Gene: APOB (apolipoprotein B; minus strand). Cytogenetic location: 2p24.1.
Variant type: single nucleotide variant.
Coding change: c.5728C>G on transcript NM_000384.3 (MANE Select); coding-DNA position 5728, C replaced by G.
Protein change: p.His1910Asp; replaces histidine 1910 with aspartic acid.
Molecular consequence: missense variant.
Genome position (GRCh38, 1-based): chr2:21,011,140, G>C on the plus strand (C>G on the coding strand, the complement: APOB is on the minus strand). VCF-style: chr2-21011140-G-C. GRCh37 (hg19) VCF-style: chr2-21234012-G-C.
Other names: short protein forms H1910D.
Identifiers: ClinVar variation 1477806 (VCV001477806.6), dbSNP rs2103357982, ClinGen allele CA346004106.
Genomic context (GRCh38, chr2:21,011,140, plus strand): 5'-TGCTATACAGCTGCCCAGTATGTTCTCCCCAGAGAGCGAGTTTCCCATTGCCATTTGTAT[G>C]TGCATCGATGGTCATGGTAAACGGGGCCATTACAGAACGGAAGACATTGCTGAAATGCAG-3'
Protein context (NP_000375.3, residues 1900-1920): MAPFTMTIDA[His1910Asp]TNGNGKLALW

ClinVar aggregate classification (germline): Uncertain significance (1 of 4 stars; one submission).

Conditions:
Familial hypobetalipoproteinemia 1. Also called: APOB-Related Familial Hypobetalipoproteinemia; Hypobetalipoproteinemia, normotriglyceridemic; Acanthocytosis with hypobetalipoproteinemia. Identifiers: MedGen C4551990, MONDO:0014252, OMIM 615558.
Hypercholesterolemia, autosomal dominant, type B (FHCL2). Also called: Familial Hypercholesterolemia Type B; APOLIPOPROTEIN B-100, FAMILIAL DEFECTIVE; APOLIPOPROTEIN B-100, FAMILIAL LIGAND-DEFECTIVE; HYPERCHOLESTEROLEMIA, FAMILIAL, DUE TO LIGAND-DEFECTIVE APOLIPOPROTEIN B; Familial hypercholesterolemia 2; Hyperlipoproteinemia Type IIb. Identifiers: MedGen C1704417, MONDO:0007751, OMIM 144010.

Submission:

Labcorp Genetics (formerly Invitae), Labcorp
Classification: Uncertain significance for Familial hypobetalipoproteinemia 1; Hypercholesterolemia, autosomal dominant, type B. Last evaluated: 2021-09-09. Review status: criteria provided, single submitter. Criteria: Invitae Variant Classification Sherloc (09022015). Collection method: clinical testing. Allele origin: germline.
Comment: This sequence change replaces histidine with aspartic acid at codon 1910 of the APOB protein (p.His1910Asp). The histidine residue is moderately conserved and there is a moderate physicochemical difference between histidine and aspartic acid. This variant is not present in population databases (ExAC no frequency). This variant has not been reported in the literature in individuals affected with APOB-related conditions. Algorithms developed to predict the effect of missense changes on protein structure and function are either unavailable or do not agree on the potential impact of this missense change (SIFT: "Tolerated"; PolyPhen-2: "Possibly Damaging"; Align-GVGD: "Class C0"). Algorithms developed to predict the effect of sequence changes on RNA splicing suggest that this variant may create or strengthen a splice site. In summary, the available evidence is currently insufficient to determine the role of this variant in disease. Therefore, it has been classified as a Variant of Uncertain Significance.